The following is an entry in ClinVar:

NM_182699.4(DDX53):c.148C>T (p.Pro50Ser)

Genes: DDX53 (DEAD-box helicase 53; plus strand), PTCHD1-AS (PTCHD1 antisense RNA (head to head); minus strand). Cytogenetic location: Xp22.11.
Variant type: single nucleotide variant.
Coding change: c.148C>T on transcript NM_182699.4 (MANE Select); coding-DNA position 148, C replaced by T.
Protein change: p.Pro50Ser; replaces proline 50 with serine.
Molecular consequence: missense variant.
Genome position (GRCh38, 1-based): chrX:23,000,205, C>T. VCF-style: chrX-23000205-C-T. GRCh37 (hg19) VCF-style: chrX-23018322-C-T.
Other names: short protein forms P50S.
Identifiers: ClinVar variation 3893324 (VCV003893324.1).

ClinVar aggregate classification (germline): Uncertain significance (1 of 4 stars; one submission).

Submission:

GeneDx
Classification: Uncertain significance. Last evaluated: 2024-10-22. Review status: criteria provided, single submitter. Criteria: GeneDx Variant Classification Process June 2021. Collection method: clinical testing. Allele origin: germline. Affected: yes.
Comment: Not observed at significant frequency in large population cohorts (gnomAD); In silico analysis supports that this missense variant has a deleterious effect on protein structure/function; Has not been previously published as pathogenic or benign to our knowledge; Variants in candidate genes are classified as variants of uncertain significance in accordance with ACMG guidelines (PMID: 25741868)